The following is an entry in ClinVar:

ClinVar aggregate classification (germline): Uncertain significance (1 of 4 stars; one submission).

gnomAD v4.1: 14 of 1,612,268 alleles (0.00087%); highest among the groups gnomAD compares: Non-Finnish European, 0.0011%; no homozygotes.

Submission:

Labcorp Genetics (formerly Invitae), Labcorp
Classification: Uncertain significance. Last evaluated: 2025-12-11. Review status: criteria provided, single submitter. Criteria: Invitae Variant Classification Sherloc (09022015). Collection method: clinical testing. Allele origin: germline.
Comment: This sequence change replaces arginine, which is basic and polar, with glutamine, which is neutral and polar, at codon 4780 of the HMCN1 protein (p.Arg4780Gln). This variant is present in population databases (no rsID available, gnomAD 0.0009%). This variant has not been reported in the literature in individuals affected with HMCN1-related conditions. An algorithm developed to predict the effect of missense changes on protein structure and function (PolyPhen-2) suggests that this variant is likely to be disruptive. In summary, the available evidence is currently insufficient to determine the role of this variant in disease. Therefore, it has been classified as a Variant of Uncertain Significance.

NM_031935.3(HMCN1):c.14339G>A (p.Arg4780Gln)

Gene: HMCN1 (hemicentin 1; plus strand). Cytogenetic location: 1q31.1.
Variant type: single nucleotide variant.
Coding change: c.14339G>A on transcript NM_031935.3 (MANE Select); coding-DNA position 14339, G replaced by A.
Protein change: p.Arg4780Gln; replaces arginine 4780 with glutamine.
Molecular consequence: missense variant.
Genome position (GRCh38, 1-based): chr1:186,145,475, G>A. VCF-style: chr1-186145475-G-A. GRCh37 (hg19) VCF-style: chr1-186114607-G-A.
Other names: short protein forms R4780Q.
Identifiers: ClinVar variation 4704678 (VCV004704678.1).